The following is an entry in ClinVar:

NM_032603.5(LOXL3):c.442C>T (p.Arg148Cys)

Genes: DOK1 (docking protein 1; plus strand), LOXL3 (lysyl oxidase like 3; minus strand). Cytogenetic location: 2p13.1.
Variant type: single nucleotide variant.
Coding change: c.442C>T on transcript NM_032603.5 (MANE Select); coding-DNA position 442, C replaced by T.
Protein change: p.Arg148Cys; replaces arginine 148 with cysteine.
Molecular consequence: missense variant. On other transcripts: intron variant (1).
Genome position (GRCh38, 1-based): chr2:74,550,220, G>A on the plus strand (C>T on the coding strand, the complement: LOXL3 is on the minus strand). VCF-style: chr2-74550220-G-A. GRCh37 (hg19) VCF-style: chr2-74777347-G-A.
Other names: c.442C>T, p.Arg148Cys (NM_001289164.3); c.-358+1048G>A (NM_001197260.2); short protein forms R148C.
Identifiers: ClinVar variation 1401142 (VCV001401142.46), dbSNP rs373321712, ClinGen allele CA1729186.

ClinVar aggregate classification (germline): Uncertain significance (1 of 4 stars; one submission).

gnomAD v4.1: 65 of 1,613,962 alleles (0.004%); highest among the groups gnomAD compares: Non-Finnish European, 0.0053%; no homozygotes.

Submission:

Labcorp Genetics (formerly Invitae), Labcorp
Classification: Uncertain significance. Last evaluated: 2022-11-08. Review status: criteria provided, single submitter. Criteria: Invitae Variant Classification Sherloc (09022015). Collection method: clinical testing. Allele origin: germline.
Comment: This variant is present in population databases (rs373321712, gnomAD 0.003%). This sequence change replaces arginine, which is basic and polar, with cysteine, which is neutral and slightly polar, at codon 148 of the LOXL3 protein (p.Arg148Cys). In summary, the available evidence is currently insufficient to determine the role of this variant in disease. Therefore, it has been classified as a Variant of Uncertain Significance. Algorithms developed to predict the effect of missense changes on protein structure and function (SIFT, PolyPhen-2, Align-GVGD) all suggest that this variant is likely to be disruptive. This variant has not been reported in the literature in individuals affected with LOXL3-related conditions. ClinVar contains an entry for this variant (Variation ID: 1401142).